The following is an entry in ClinVar:

ClinVar aggregate classification (germline): Uncertain significance (1 of 4 stars; one submission).

Conditions:
SLC16A1-related disorder. Also called: SLC16A1-related disorders; SLC16A1-related condition.

Submission:

PreventionGenetics, part of Exact Sciences
Classification: Uncertain significance for SLC16A1-related condition. Last evaluated: 2026-04-20. Review status: criteria provided, single submitter. Criteria: ACMG Guidelines, 2015. Collection method: clinical testing. Allele origin: germline.
Comment: The SLC16A1 c.90C>G variant is predicted to result in the amino acid substitution p.Ile30Met. To our knowledge, this variant has not been reported in the literature or in a large population database (gnomAD), indicating this variant is rare. At this time, the clinical significance of this variant is uncertain due to the absence of conclusive functional and genetic evidence.

NM_003051.4(SLC16A1):c.90C>G (p.Ile30Met)

Gene: SLC16A1 (solute carrier family 16 member 1; minus strand). Cytogenetic location: 1p13.2.
Variant type: single nucleotide variant.
Coding change: c.90C>G on transcript NM_003051.4 (MANE Select); coding-DNA position 90, C replaced by G.
Protein change: p.Ile30Met; replaces isoleucine 30 with methionine.
Molecular consequence: missense variant.
Genome position (GRCh38, 1-based): chr1:112,929,219, G>C on the plus strand (C>G on the coding strand, the complement: SLC16A1 is on the minus strand). VCF-style: chr1-112929219-G-C. GRCh37 (hg19) VCF-style: chr1-113471841-G-C.
Other names: c.90C>G, p.Ile30Met (NM_001166496.2); short protein forms I30M.
Identifiers: ClinVar variation 4992303 (VCV004992303.1).